The following is an entry in ClinVar:

ClinVar aggregate classification (germline): Uncertain significance. Review status: criteria provided, multiple submitters, no conflicts (2 of 4 stars). 2 submissions from 2 submitters: Uncertain significance (2). Last evaluated 2025-04-01.

Conditions:
Emery-Dreifuss muscular dystrophy (EDMD). Also called: Scapuloperoneal syndrome, X-linked (formerly); Humeroperoneal neuromuscular disease, (formerly). Identifiers: Orphanet 261, MedGen C0410189, MONDO:0016830.

Allele frequency attached by ClinVar (database versions not stated): gnomAD exomes below 0.00001; ExAC 0.00001; gnomAD 0.00001; TOPMed 0.00002.
gnomAD v4.1: 7 of 1,613,866 alleles (0.00043%); highest among the groups gnomAD compares: Admixed American, 0.0083%; no homozygotes.

Submissions (2):

Labcorp Genetics (formerly Invitae), Labcorp
Classification: Uncertain significance for Emery-Dreifuss muscular dystrophy. Last evaluated: 2025-04-01. Review status: criteria provided, single submitter. Criteria: Invitae Variant Classification Sherloc (09022015). Collection method: clinical testing. Allele origin: germline.
Comment: This sequence change replaces alanine, which is neutral and non-polar, with threonine, which is neutral and polar, at codon 585 of the SUN1 protein (p.Ala585Thr). This variant is present in population databases (rs756527187, gnomAD 0.009%). This variant has not been reported in the literature in individuals affected with SUN1-related conditions. ClinVar contains an entry for this variant (Variation ID: 2419327). An algorithm developed to predict the effect of missense changes on protein structure and function (PolyPhen-2) suggests that this variant is likely to be tolerated. In summary, the available evidence is currently insufficient to determine the role of this variant in disease. Therefore, it has been classified as a Variant of Uncertain Significance.

Ambry Genetics
Classification: Uncertain significance. Last evaluated: 2025-02-19. Review status: criteria provided, single submitter. Criteria: Ambry Variant Classification Scheme 2023. Collection method: clinical testing. Allele origin: germline.

NM_001130965.3(SUN1):c.1753G>A (p.Ala585Thr)

Gene: SUN1 (Sad1 and UNC84 domain containing 1; plus strand). Cytogenetic location: 7p22.3.
Variant type: single nucleotide variant.
Coding change: c.1753G>A on transcript NM_001130965.3 (MANE Select); coding-DNA position 1753, G replaced by A.
Protein change: p.Ala585Thr; replaces alanine 585 with threonine.
Molecular consequence: missense variant. On other transcripts: non-coding transcript variant (3).
Genome position (GRCh38, 1-based): chr7:860,356, G>A. VCF-style: chr7-860356-G-A. GRCh37 (hg19) VCF-style: chr7-899993-G-A.
Other names: c.1753G>A (NM_001130965.2); c.1738G>A, p.Ala580Thr (NM_001367642.1); c.1945G>A, p.Ala649Thr (NM_001367643.1); c.1684G>A, p.Ala562Thr (NM_001367644.1); c.1801G>A, p.Ala601Thr (NM_001367645.1, NM_001367681.1); c.1882G>A, p.Ala628Thr (NM_001367646.1, NM_001367707.1); c.1795G>A, p.Ala599Thr (NM_001367647.1, NM_001367668.1); c.1615G>A, p.Ala539Thr (NM_001367648.1); and 44 more; short protein forms A347T, A396T, A432T, A468T, A482T, A502T, A524T, A529T.
Identifiers: ClinVar variation 2419327 (VCV002419327.7), dbSNP rs756527187, ClinGen allele CA4112347.